The following is an entry in ClinVar:

ClinVar aggregate classification (germline): Uncertain significance. Review status: criteria provided, multiple submitters, no conflicts (2 of 4 stars). 2 submissions from 2 submitters: Uncertain significance (2). Last evaluated 2024-12-20.

Conditions:
Hereditary cancer-predisposing syndrome. Also called: Neoplastic Syndromes, Hereditary; Hereditary Cancer Syndrome; Hereditary neoplastic syndrome; Tumor predisposition. Identifiers: Orphanet 140162, MedGen C0027672, MeSH D009386, MONDO:0015356.
Neurofibromatosis, type 2 (SWNV). Also called: BILATERAL ACOUSTIC NEUROFIBROMATOSIS; NF2-Related Schwannomatosis; SCHWANNOMATOSIS, VESTIBULAR. Identifiers: Orphanet 637, MedGen C0027832, MONDO:0007039, OMIM 101000. Disease mechanism: loss of function.

Allele frequency attached by ClinVar (database versions not stated): 1000 Genomes Project 30x 0.00016; 1000 Genomes Project 0.00020; gnomAD 0.00001; ExAC 0.00002.
gnomAD v4.1: 1 of 1,607,154 alleles (0.000062%); highest among the groups gnomAD compares: African/African-American, 0.0013%; no homozygotes.

Submissions (2):

Ambry Genetics
Classification: Uncertain significance for Hereditary cancer-predisposing syndrome. Last evaluated: 2024-12-20. Review status: criteria provided, single submitter. Criteria: Ambry Variant Classification Scheme 2023. Collection method: clinical testing. Allele origin: germline.
Comment: The p.D30G variant (also known as c.89A>G), located in coding exon 1 of the NF2 gene, results from an A to G substitution at nucleotide position 89. The aspartic acid at codon 30 is replaced by glycine, an amino acid with similar properties. This amino acid position is conserved. In addition, the in silico prediction for this alteration is inconclusive. Based on the available evidence, the clinical significance of this variant remains unclear.

Labcorp Genetics (formerly Invitae), Labcorp
Classification: Uncertain significance for Neurofibromatosis, type 2. Last evaluated: 2024-10-15. Review status: criteria provided, single submitter. Criteria: Invitae Variant Classification Sherloc (09022015). Collection method: clinical testing. Allele origin: germline.
Comment: This sequence change replaces aspartic acid, which is acidic and polar, with glycine, which is neutral and non-polar, at codon 30 of the NF2 protein (p.Asp30Gly). The frequency data for this variant in the population databases is considered unreliable, as metrics indicate poor data quality at this position in the gnomAD database. This variant has not been reported in the literature in individuals affected with NF2-related conditions. ClinVar contains an entry for this variant (Variation ID: 1061022). Invitae Evidence Modeling of protein sequence and biophysical properties (such as structural, functional, and spatial information, amino acid conservation, physicochemical variation, residue mobility, and thermodynamic stability) has been performed for this missense variant. However, the output from this modeling did not meet the statistical confidence thresholds required to predict the impact of this variant on NF2 protein function. In summary, the available evidence is currently insufficient to determine the role of this variant in disease. Therefore, it has been classified as a Variant of Uncertain Significance.

NM_000268.4(NF2):c.89A>G (p.Asp30Gly)

Gene: NF2 (NF2, moesin-ezrin-radixin like (MERLIN) tumor suppressor; plus strand). Cytogenetic location: 22q12.2.
Variant type: single nucleotide variant.
Coding change: c.89A>G on transcript NM_000268.4 (MANE Select); coding-DNA position 89, A replaced by G.
Protein change: p.Asp30Gly; replaces aspartic acid 30 with glycine.
Molecular consequence: missense variant. On other transcripts: non-coding transcript variant (1).
Genome position (GRCh38, 1-based): chr22:29,604,087, A>G. VCF-style: chr22-29604087-A-G. GRCh37 (hg19) VCF-style: chr22-30000076-A-G.
Other names: c.89A>G (NM_000268.3); c.89A>G, p.Asp30Gly (NM_016418.5, NM_181825.3, NM_181828.3 and 5 more transcripts); short protein forms D30G.
Identifiers: ClinVar variation 1061022 (VCV001061022.15), dbSNP rs563168478, ClinGen allele CA037062.
Genomic context (GRCh38, chr22:29,604,087, plus strand): 5'-GCTTCAGCTCTCTCAAGAGGAAGCAACCCAAGACGTTCACCGTGAGGATCGTCACCATGG[A>G]CGCCGAGATGGAGTTCAATTGCGAGGTAACCGGCCGGCAGCCCCGACTGCTGCGGTGACA-3'
Protein context (NP_000259.1, residues 20-40): KTFTVRIVTM[Asp30Gly]AEMEFNCEMK